The following is an entry in ClinVar:

ClinVar aggregate classification (germline): Likely pathogenic (1 of 4 stars; one submission).

Conditions:
Nemaline myopathy 2 (NEM2). Also called: Nemaline myopathy 2, autosomal recessive. Identifiers: MedGen C1850569, MONDO:0009725, OMIM 256030.

Submission:

Labcorp Genetics (formerly Invitae), Labcorp
Classification: Likely pathogenic for Nemaline myopathy 2. Last evaluated: 2025-09-19. Review status: criteria provided, single submitter. Criteria: Invitae Variant Classification Sherloc (09022015). Collection method: clinical testing. Allele origin: germline.
Comment: This sequence change affects a donor splice site in intron 8 of the NEB gene. It is expected to disrupt RNA splicing. Variants that disrupt the donor or acceptor splice site typically lead to a loss of protein function (PMID: 16199547), and loss-of-function variants in NEB are known to be pathogenic (PMID: 25205138). This variant is not present in population databases (gnomAD no frequency). Disruption of this splice site has been observed in individual(s) with nemaline myopathy (PMID: 25205138, 33333461). In summary, the currently available evidence indicates that the variant is pathogenic, but additional data are needed to prove that conclusively. Therefore, this variant has been classified as Likely Pathogenic.

Literature cited by the submitters: PubMed 16199547; PubMed 25205138; PubMed 33333461.

NM_001164508.2(NEB):c.612+2T>C

Gene: NEB (nebulin; minus strand). Cytogenetic location: 2q23.3.
Variant type: single nucleotide variant.
Coding change: c.612+2T>C on transcript NM_001164508.2 (MANE Select); the canonical splice donor site of the intron after coding-DNA position 612, T replaced by C.
Molecular consequence: splice donor variant.
Genome position (GRCh38, 1-based): chr2:151,724,258, A>G on the plus strand (T>C on the coding strand, the complement: NEB is on the minus strand). VCF-style: chr2-151724258-A-G. GRCh37 (hg19) VCF-style: chr2-152580772-A-G.
Other names: c.612+2T>C (NM_004543.5, NM_001164507.2, NM_001271208.2).
Identifiers: ClinVar variation 4727459 (VCV004727459.1).